The following is an entry in ClinVar:

NM_015981.4(CAMK2A):c.534A>G (p.Gly178=)

Gene: CAMK2A (calcium/calmodulin dependent protein kinase II alpha; minus strand). Cytogenetic location: 5q32.
Variant type: single nucleotide variant.
Coding change: c.534A>G on transcript NM_015981.4 (MANE Select); coding-DNA position 534, A replaced by G.
Protein change: p.Gly178=; no amino-acid change (glycine 178 retained).
Molecular consequence: synonymous variant.
Genome position (GRCh38, 1-based): chr5:150,252,046, T>C on the plus strand (A>G on the coding strand, the complement: CAMK2A is on the minus strand). VCF-style: chr5-150252046-T-C. GRCh37 (hg19) VCF-style: chr5-149631609-T-C.
Other names: c.534A>G, p.Gly178= (NM_001363989.1, NM_001363990.1, NM_001369025.2 and 1 more transcripts).
Identifiers: ClinVar variation 3776366 (VCV003776366.1).

ClinVar aggregate classification (germline): Uncertain significance (1 of 4 stars; one submission).

Submission:

GeneDx
Classification: Uncertain significance. Last evaluated: 2024-10-01. Review status: criteria provided, single submitter. Criteria: GeneDx Variant Classification Process June 2021. Collection method: clinical testing. Allele origin: germline. Affected: yes.
Comment: Not observed at significant frequency in large population cohorts (gnomAD); In silico analysis is inconclusive as to whether the variant alters gene splicing. In the absence of RNA/functional studies, the actual effect of this sequence change is unknown.; Has not been previously published as pathogenic or benign to our knowledge